The following is an entry in ClinVar:

ClinVar aggregate classification (germline): Uncertain significance. Review status: criteria provided, multiple submitters, no conflicts (2 of 4 stars). 3 submissions from 3 submitters: Uncertain significance (3). Last evaluated 2024-12-10.

Conditions:
Hereditary cancer-predisposing syndrome. Also called: Tumor predisposition; Neoplastic Syndromes, Hereditary; Hereditary Cancer Syndrome; Hereditary neoplastic syndrome. Identifiers: Orphanet 140162, MedGen C0027672, MeSH D009386, MONDO:0015356.
Cardiovascular phenotype. Identifiers: MedGen CN230736.
Neurofibromatosis, type 1 (NF1). Also called: Neurofibromatosis, type I; NEUROFIBROMATOSIS, TYPE I, SOMATIC; Peripheral type neurofibromatosis; VON RECKLINGHAUSEN DISEASE. Identifiers: Orphanet 636, MedGen C0027831, MONDO:0018975, OMIM 162200. Disease mechanism: loss of function.

Allele frequency attached by ClinVar (database versions not stated): gnomAD exomes 0.00001.
gnomAD v4.1: 19 of 1,614,186 alleles (0.0012%); highest among the groups gnomAD compares: Non-Finnish European, 0.0016%; no homozygotes.

Submissions (3):

Labcorp Genetics (formerly Invitae), Labcorp
Classification: Uncertain significance for Neurofibromatosis, type 1. Last evaluated: 2024-12-10. Review status: criteria provided, single submitter. Criteria: Invitae Variant Classification Sherloc (09022015). Collection method: clinical testing. Allele origin: germline.
Comment: This sequence change replaces glutamine, which is neutral and polar, with proline, which is neutral and non-polar, at codon 1801 of the NF1 protein (p.Gln1801Pro). This variant is not present in population databases (gnomAD no frequency). This variant has not been reported in the literature in individuals affected with NF1-related conditions. ClinVar contains an entry for this variant (Variation ID: 404535). Invitae Evidence Modeling of protein sequence and biophysical properties (such as structural, functional, and spatial information, amino acid conservation, physicochemical variation, residue mobility, and thermodynamic stability) has been performed for this missense variant. However, the output from this modeling did not meet the statistical confidence thresholds required to predict the impact of this variant on NF1 protein function. In summary, the available evidence is currently insufficient to determine the role of this variant in disease. Therefore, it has been classified as a Variant of Uncertain Significance.

Ambry Genetics
Classification: Uncertain significance for Cardiovascular phenotype; Hereditary cancer-predisposing syndrome. Last evaluated: 2023-10-31. Review status: criteria provided, single submitter. Criteria: Ambry Variant Classification Scheme 2023. Collection method: clinical testing. Allele origin: germline.
Comment: The p.Q1801P variant (also known as c.5402A>C), located in coding exon 37 of the NF1 gene, results from an A to C substitution at nucleotide position 5402. The glutamine at codon 1801 is replaced by proline, an amino acid with similar properties. This amino acid position is well conserved in available vertebrate species. In addition, this alteration is predicted to be deleterious by in silico analysis. Since supporting evidence is limited at this time, the clinical significance of this alteration remains unclear.

Genome-Nilou Lab
Classification: Uncertain significance for Neurofibromatosis, type 1. Last evaluated: 2022-03-15. Review status: criteria provided, single submitter. Criteria: ACMG Guidelines, 2015. Collection method: clinical testing. Allele origin: germline. Affected: no.

NM_001042492.3(NF1):c.5465A>C (p.Gln1822Pro)

Gene: NF1 (neurofibromin 1; plus strand). Cytogenetic location: 17q11.2.
Variant type: single nucleotide variant.
Coding change: c.5465A>C on transcript NM_001042492.3 (MANE Select); coding-DNA position 5465, A replaced by C.
Protein change: p.Gln1822Pro; replaces glutamine 1822 with proline.
Molecular consequence: missense variant.
Genome position (GRCh38, 1-based): chr17:31,327,695, A>C. VCF-style: chr17-31327695-A-C. GRCh37 (hg19) VCF-style: chr17-29654713-A-C.
Other names: c.5402A>C, p.Gln1801Pro (NM_000267.4); short protein forms Q1822P, Q1801P.
Identifiers: ClinVar variation 404535 (VCV000404535.13), dbSNP rs1060500328, ClinGen allele CA16615651.
Genomic context (GRCh38, chr17:31,327,695, plus strand): 5'-CCATTGCAAACCAGGGCACGCCGCTCACCTTCATGCACCAGGAGTGTGAAGCCATTGTCC[A>C]GTCTATCATTCATATCCGGACCCGCTGGGAACTGTCACAGCCCGACTCTATCCCCCAACA-3'
Protein context (NP_001035957.1, residues 1812-1832): FMHQECEAIV[Gln1822Pro]SIIHIRTRWE